The following is an entry in ClinVar:

ClinVar aggregate classification (germline): Benign/Likely benign. Review status: criteria provided, multiple submitters, no conflicts (2 of 4 stars). 2 submissions from 2 submitters: Benign (1); Likely benign (1). Last evaluated 2024-12-23.

Conditions:
Hereditary nonpolyposis colorectal neoplasms. Identifiers: MedGen C0009405, MeSH D003123.
Lynch syndrome 5 (LYNCH5). Also called: Colorectal cancer, hereditary nonpolyposis, type 5; Hereditary non-polyposis colorectal cancer, type 5. Identifiers: Orphanet 144, MedGen C1833477, MONDO:0013710, OMIM 614350. Disease mechanism: loss of function.

Submissions (2):

Myriad Genetics, Inc.
Classification: Benign for Lynch syndrome 5. Last evaluated: 2024-12-23. Review status: criteria provided, single submitter. Criteria: Myriad Autosomal Dominant, Autosomal Recessive and X-Linked Classification Criteria (2023). Collection method: clinical testing. Allele origin: unknown.
Comment: This variant is considered benign. This variant is a silent/synonymous amino acid change and it is not expected to impact splicing.

Labcorp Genetics (formerly Invitae), Labcorp
Classification: Likely benign for Hereditary nonpolyposis colorectal neoplasms. Last evaluated: 2022-01-08. Review status: criteria provided, single submitter. Criteria: Invitae Variant Classification Sherloc (09022015). Collection method: clinical testing. Allele origin: germline.

NM_000179.3(MSH6):c.1131G>A (p.Lys377=)

Gene: MSH6 (mutS homolog 6; plus strand). Cytogenetic location: 2p16.3.
Variant type: single nucleotide variant.
Coding change: c.1131G>A on transcript NM_000179.3 (MANE Select); coding-DNA position 1131, G replaced by A.
Protein change: p.Lys377=; no amino-acid change (lysine 377 retained).
Molecular consequence: synonymous variant.
Genome position (GRCh38, 1-based): chr2:47,799,114, G>A. VCF-style: chr2-47799114-G-A. GRCh37 (hg19) VCF-style: chr2-48026253-G-A.
Other names: c.741G>A, p.Lys247= (NM_001281492.2); c.225G>A, p.Lys75= (NM_001281493.2, NM_001281494.2).
Identifiers: ClinVar variation 1135527 (VCV001135527.12), dbSNP rs878853699, ClinGen allele CA426121026.